The following is an entry in ClinVar:

NM_004655.4(AXIN2):c.415A>G (p.Ile139Val)

Gene: AXIN2 (axin 2; minus strand). Cytogenetic location: 17q24.1.
Variant type: single nucleotide variant.
Coding change: c.415A>G on transcript NM_004655.4 (MANE Select); coding-DNA position 415, A replaced by G.
Protein change: p.Ile139Val; replaces isoleucine 139 with valine.
Molecular consequence: missense variant.
Genome position (GRCh38, 1-based): chr17:65,558,206, T>C on the plus strand (A>G on the coding strand, the complement: AXIN2 is on the minus strand). VCF-style: chr17-65558206-T-C. GRCh37 (hg19) VCF-style: chr17-63554324-T-C.
Other names: c.415A>G (LRG_296t1); c.415A>G, p.Ile139Val (NM_001363813.1); short protein forms I139V.
Identifiers: ClinVar variation 408819 (VCV000408819.15), dbSNP rs1060502146, ClinGen allele CA16615903.
Genomic context (GRCh38, chr17:65,558,206, plus strand): 5'-CTCTTATGTAGGTCTTGGTGGCAGGCTTCAGCTGCTTGGAGACAATGCTGTTGTTCTCAA[T>C]GTACCTTTTGTAGATCGCTTTGGCTACTCGTAAAGTTTTGGTATCCTTCAGGTTCATCTG-3'
Protein context (NP_004646.3, residues 129-149): RVAKAIYKRY[Ile139Val]ENNSIVSKQL

ClinVar aggregate classification (germline): Uncertain significance. Review status: criteria provided, multiple submitters, no conflicts (2 of 4 stars). 2 submissions from 2 submitters: Uncertain significance (2). Last evaluated 2025-07-29.

Conditions:
Hereditary cancer-predisposing syndrome. Also called: Hereditary Cancer Syndrome; Hereditary neoplastic syndrome; Neoplastic Syndromes, Hereditary; Tumor predisposition. Identifiers: Orphanet 140162, MedGen C0027672, MeSH D009386, MONDO:0015356.
Oligodontia-cancer predisposition syndrome. Also called: TOOTH AGENESIS-COLORECTAL CANCER SYNDROME. Identifiers: Orphanet 300576, MedGen C1837750, MONDO:0012075, OMIM 608615. Disease mechanism: loss of function.

Allele frequency attached by ClinVar (database versions not stated): gnomAD exomes below 0.00001.
gnomAD v4.1: 2 of 1,614,194 alleles (0.00012%); highest among the groups gnomAD compares: Non-Finnish European, 0.00017%; no homozygotes.

Submissions (2):

Labcorp Genetics (formerly Invitae), Labcorp
Classification: Uncertain significance for Oligodontia-cancer predisposition syndrome. Last evaluated: 2025-07-29. Review status: criteria provided, single submitter. Criteria: Invitae Variant Classification Sherloc (09022015). Collection method: clinical testing. Allele origin: germline.
Comment: This sequence change replaces isoleucine, which is neutral and non-polar, with valine, which is neutral and non-polar, at codon 139 of the AXIN2 protein (p.Ile139Val). This variant is not present in population databases (gnomAD no frequency). This variant has not been reported in the literature in individuals affected with AXIN2-related conditions. ClinVar contains an entry for this variant (Variation ID: 408819). Invitae Evidence Modeling of protein sequence and biophysical properties (such as structural, functional, and spatial information, amino acid conservation, physicochemical variation, residue mobility, and thermodynamic stability) indicates that this missense variant is not expected to disrupt AXIN2 protein function with a negative predictive value of 80%. In summary, the available evidence is currently insufficient to determine the role of this variant in disease. Therefore, it has been classified as a Variant of Uncertain Significance.

Ambry Genetics
Classification: Uncertain significance for Hereditary cancer-predisposing syndrome. Last evaluated: 2025-06-05. Review status: criteria provided, single submitter. Criteria: Ambry Variant Classification Scheme 2023. Collection method: clinical testing. Allele origin: germline.
Comment: The p.I139V variant (also known as c.415A>G), located in coding exon 1 of the AXIN2 gene, results from an A to G substitution at nucleotide position 415. The isoleucine at codon 139 is replaced by valine, an amino acid with highly similar properties. This amino acid position is highly conserved in available vertebrate species. In addition, this alteration is predicted to be tolerated by in silico analysis. Since supporting evidence is limited at this time, the clinical significance of this alteration remains unclear.